The following is an entry in ClinVar:

ClinVar aggregate classification (germline): Benign (1 of 4 stars; one submission).

Allele frequency attached by ClinVar (database versions not stated): TOPMed 0.37470; gnomAD 0.35067; 1000 Genomes Project 0.33387; 1000 Genomes Project 30x 0.33885.
gnomAD v4.1: 55,094 of 151,694 alleles (36%); highest among the groups gnomAD compares: African/African-American, 43%; 10,349 homozygotes.

Submission:

GeneDx
Classification: Benign. Last evaluated: 2018-06-18. Review status: criteria provided, single submitter. Criteria: GeneDx Variant Classification (06012015). Collection method: clinical testing. Allele origin: germline. Affected: yes.
Comment: This variant is considered likely benign or benign based on one or more of the following criteria: it is a conservative change, it occurs at a poorly conserved position in the protein, it is predicted to be benign by multiple in silico algorithms, and/or has population frequency not consistent with disease.

NM_001927.4(DES):c.1244+264G>A

Gene: DES (desmin; plus strand). Cytogenetic location: 2q35.
Variant type: single nucleotide variant.
Coding change: c.1244+264G>A on transcript NM_001927.4 (MANE Select); 264 bases into the intron after coding-DNA position 1244, G replaced by A.
Molecular consequence: intron variant.
Genome position (GRCh38, 1-based): chr2:219,421,824, G>A. VCF-style: chr2-219421824-G-A. GRCh37 (hg19) VCF-style: chr2-220286546-G-A.
Identifiers: ClinVar variation 683457 (VCV000683457.1), dbSNP rs2854895, ClinGen allele CA11045608.
Genomic context (GRCh38, chr2:219,421,824, plus strand): 5'-TCAAGCAATTCTCCTGCCTCAGCTTCCCGAGCAGCTGGGATTACAGGCGCCTACCACCAC[G>A]CCTGGCTAATTTTTGTATTTTTAGTAGAGACGGGGTTTCACTATGTTGGGCAGCTGGTCT-3'